The following is an entry in ClinVar:

ClinVar aggregate classification (germline): Uncertain significance (1 of 4 stars; one submission).

gnomAD v4.1: 10 of 1,612,442 alleles (0.00062%); highest among the groups gnomAD compares: Admixed American, 0.015%; no homozygotes.

Submission:

Labcorp Genetics (formerly Invitae), Labcorp
Classification: Uncertain significance. Last evaluated: 2025-03-01. Review status: criteria provided, single submitter. Criteria: Invitae Variant Classification Sherloc (09022015). Collection method: clinical testing. Allele origin: germline.
Comment: This sequence change replaces alanine, which is neutral and non-polar, with glutamic acid, which is acidic and polar, at codon 1596 of the MYH7B protein (p.Ala1596Glu). This variant is present in population databases (rs747284195, gnomAD 0.02%). This variant has not been reported in the literature in individuals affected with MYH7B-related conditions. Invitae Evidence Modeling of protein sequence and biophysical properties (such as structural, functional, and spatial information, amino acid conservation, physicochemical variation, residue mobility, and thermodynamic stability) has been performed for this missense variant. However, the output from this modeling did not meet the statistical confidence thresholds required to predict the impact of this variant on MYH7B protein function. In summary, the available evidence is currently insufficient to determine the role of this variant in disease. Therefore, it has been classified as a Variant of Uncertain Significance.

NM_020884.7(MYH7B):c.4661C>A (p.Ala1554Glu)

Gene: MYH7B (myosin heavy chain 7B; plus strand). Cytogenetic location: 20q11.22.
Variant type: single nucleotide variant.
Coding change: c.4661C>A on transcript NM_020884.7 (MANE Select); coding-DNA position 4661, C replaced by A.
Protein change: p.Ala1554Glu; replaces alanine 1554 with glutamic acid.
Molecular consequence: missense variant.
Genome position (GRCh38, 1-based): chr20:34,999,691, C>A. VCF-style: chr20-34999691-C-A. GRCh37 (hg19) VCF-style: chr20-33587494-C-A.
Other names: short protein forms A1554E.
Identifiers: ClinVar variation 4697842 (VCV004697842.1).